The following is an entry in ClinVar:

NM_014975.3(MAST1):c.4703C>T (p.Pro1568Leu)

Gene: MAST1 (microtubule associated serine/threonine kinase 1; plus strand). Cytogenetic location: 19p13.13.
Variant type: single nucleotide variant.
Coding change: c.4703C>T on transcript NM_014975.3 (MANE Select); coding-DNA position 4703, C replaced by T.
Protein change: p.Pro1568Leu; replaces proline 1568 with leucine.
Molecular consequence: missense variant.
Genome position (GRCh38, 1-based): chr19:12,874,860, C>T. VCF-style: chr19-12874860-C-T. GRCh37 (hg19) VCF-style: chr19-12985674-C-T.
Other names: short protein forms P1568L.
Identifiers: ClinVar variation 2419161 (VCV002419161.5), dbSNP rs773764996, ClinGen allele CA9233616.

ClinVar aggregate classification (germline): Uncertain significance (1 of 4 stars; one submission).

Allele frequency attached by ClinVar (database versions not stated): ExAC 0.00003.
gnomAD v4.1: 66 of 1,598,294 alleles (0.0041%); highest among the groups gnomAD compares: Middle Eastern, 0.033%; no homozygotes.

Submission:

Labcorp Genetics (formerly Invitae), Labcorp
Classification: Uncertain significance. Last evaluated: 2025-04-11. Review status: criteria provided, single submitter. Criteria: Invitae Variant Classification Sherloc (09022015). Collection method: clinical testing. Allele origin: germline.
Comment: This sequence change replaces proline, which is neutral and non-polar, with leucine, which is neutral and non-polar, at codon 1568 of the MAST1 protein (p.Pro1568Leu). This variant is present in population databases (rs773764996, gnomAD 0.007%). This variant has not been reported in the literature in individuals affected with MAST1-related conditions. ClinVar contains an entry for this variant (Variation ID: 2419161). An algorithm developed to predict the effect of missense changes on protein structure and function outputs the following: PolyPhen-2: "Benign". The leucine amino acid residue is found in multiple mammalian species, which suggests that this missense change does not adversely affect protein function. In summary, the available evidence is currently insufficient to determine the role of this variant in disease. Therefore, it has been classified as a Variant of Uncertain Significance.